The following is an entry in ClinVar:

ClinVar aggregate classification (germline): Likely benign. Review status: criteria provided, multiple submitters, no conflicts (2 of 4 stars). 2 submissions from 2 submitters: Likely benign (2). Last evaluated 2025-11-01.

Conditions:
Primary ciliary dyskinesia. Also called: Ciliary dyskinesia. Identifiers: Orphanet 244, MedGen C0008780, MONDO:0016575, HP:0012265.

Allele frequency attached by ClinVar (database versions not stated): ExAC below 0.00001; gnomAD 0.00002 and 0.00003; TOPMed 0.00003; gnomAD exomes 0.00006 and 0.00009.
gnomAD v4.1: 87 of 1,548,352 alleles (0.0056%); highest among the groups gnomAD compares: Admixed American, 0.02%; no homozygotes.

Submissions (2):

CeGaT Center for Human Genetics Tuebingen
Classification: Likely benign. Last evaluated: 2025-11-01. Review status: criteria provided, single submitter. Criteria: CeGaT Center For Human Genetics Tuebingen Variant Classification Criteria Version 2. Collection method: clinical testing. Allele origin: germline. Affected: yes. Observed: 1 variant allele.
Comment: DNAAF1: BP4, BP7

Labcorp Genetics (formerly Invitae), Labcorp
Classification: Likely benign for Primary ciliary dyskinesia. Last evaluated: 2025-06-27. Review status: criteria provided, single submitter. Criteria: Invitae Variant Classification Sherloc (09022015). Collection method: clinical testing. Allele origin: germline.

NM_178452.6(DNAAF1):c.114C>T (p.Gly38=)

Gene: DNAAF1 (dynein axonemal assembly factor 1; plus strand). Cytogenetic location: 16q24.1.
Variant type: single nucleotide variant.
Coding change: c.114C>T on transcript NM_178452.6 (MANE Select); coding-DNA position 114, C replaced by T.
Protein change: p.Gly38=; no amino-acid change (glycine 38 retained).
Molecular consequence: synonymous variant.
Genome position (GRCh38, 1-based): chr16:84,145,554, C>T. VCF-style: chr16-84145554-C-T. GRCh37 (hg19) VCF-style: chr16-84179159-C-T.
Identifiers: ClinVar variation 454996 (VCV000454996.16), dbSNP rs772497904, ClinGen allele CA8202348.